The following is an entry in ClinVar:

ClinVar aggregate classification (germline): Pathogenic/Likely pathogenic. Review status: criteria provided, multiple submitters, no conflicts (2 of 4 stars). 3 submissions from 3 submitters: Pathogenic (1); Likely pathogenic (2). Last evaluated 2024-03-12.

Conditions:
Tyrosinase-positive oculocutaneous albinism (OCA2). Also called: ALBINISM II; Oculocutaneous albinism type 2; Albinism, oculocutaneous, type II. Identifiers: Orphanet 79432, MedGen C0268495, MONDO:0008746, OMIM 203200.
SKIN/HAIR/EYE PIGMENTATION 1, BLUE/NONBLUE EYES (SHEP1). Also called: BROWN EYE COLOR 2; EYE COLOR 3; EYE COLOR, BLUE/NONBLUE; EYE COLOR, BROWN/BLUE; HAIR COLOR 3; SKIN/HAIR/EYE PIGMENTATION 1, BLOND/BROWN HAIR. Identifiers: MedGen C1856895, OMIM 227220.

Submissions (3):

Baylor Genetics
Classification: Likely pathogenic for SKIN/HAIR/EYE PIGMENTATION 1, BLUE/NONBLUE EYES. Last evaluated: 2024-03-12. Review status: criteria provided, single submitter. Criteria: ACMG Guidelines, 2015. Collection method: clinical testing. Allele origin: unknown.

Fulgent Genetics
Classification: Likely pathogenic for Tyrosinase-positive oculocutaneous albinism; SKIN/HAIR/EYE PIGMENTATION 1, BLUE/NONBLUE EYES. Last evaluated: 2024-01-30. Review status: criteria provided, single submitter. Criteria: ACMG Guidelines, 2015. Collection method: clinical testing. Allele origin: germline.

Labcorp Genetics (formerly Invitae), Labcorp
Classification: Pathogenic. Last evaluated: 2023-10-14. Review status: criteria provided, single submitter. Criteria: Invitae Variant Classification Sherloc (09022015). Collection method: clinical testing. Allele origin: germline.
Comment: This sequence change creates a premature translational stop signal (p.Thr353Argfs*15) in the OCA2 gene. It is expected to result in an absent or disrupted protein product. Loss-of-function variants in OCA2 are known to be pathogenic (PMID: 19865097, 21541274). This variant is not present in population databases (gnomAD no frequency). This variant has not been reported in the literature in individuals affected with OCA2-related conditions. ClinVar contains an entry for this variant (Variation ID: 1455886). For these reasons, this variant has been classified as Pathogenic.

Literature cited by the submitters: PubMed 19865097 (cited by Labcorp Genetics (formerly Invitae), Labcorp); PubMed 21541274 (cited by Labcorp Genetics (formerly Invitae), Labcorp).

NM_000275.3(OCA2):c.1056_1062del (p.Thr353fs)

Gene: OCA2 (OCA2 melanosomal transmembrane protein; minus strand). Cytogenetic location: 15q13.1.
Variant type: Deletion.
Coding change: c.1056_1062del on transcript NM_000275.3 (MANE Select); coding-DNA positions 1056 to 1062, 7 bases deleted (AACTCTG; older notation c.1056_1062delAACTCTG).
Protein change: p.Thr353fs; shifts the reading frame from threonine 353.
Molecular consequence: frameshift variant. On other transcripts: intron variant (1).
Genome position (GRCh38, 1-based): chr15:27,990,630-27,990,636, CAGAGTT deleted on the plus strand (AACTCTG on the coding strand, the reverse complement: OCA2 is on the minus strand); deleting any 7 consecutive bases within chr15:27,990,630-27,990,637 gives the same sequence; the c. name uses the placement nearest the transcript's 3' end. VCF-style (leftmost placement, unchanged base first): chr15-27990629-CCAGAGTT-C. GRCh37 (hg19) VCF-style: chr15-28235775-CCAGAGTT-C.
Other names: c.1045-970_1045-964del (NM_001300984.2); short protein forms T353fs.
Identifiers: ClinVar variation 1455886 (VCV001455886.8), dbSNP rs2041525028, ClinGen allele CA2166416467.